The following is an entry in ClinVar:

NM_017934.7(PHIP):c.3825GAA[2] (p.Lys1278del)

Genes: IRAK1BP1 (interleukin 1 receptor associated kinase 1 binding protein 1; plus strand), PHIP (PHIP subunit of CUL4-Ring ligase complex; minus strand). Cytogenetic location: 6q14.1.
Variant type: Microsatellite.
Coding change: c.3825GAA[2] on transcript NM_017934.7 (MANE Select); two copies in a row of the 3-base unit GAA starting at c.3825; the reference has three copies in a row; one copy, 3 bases deleted.
Protein change: p.Lys1278del; deletes lysine 1278.
Molecular consequence: inframe deletion.
Genome position (GRCh38, 1-based): chr6:78,955,632-78,955,634, TTC deleted on the plus strand (GAA on the coding strand, the reverse complement: PHIP is on the minus strand); deleting any 3 consecutive bases within chr6:78,955,632-78,955,640 gives the same sequence; the position shown is the placement nearest the transcript's 3' end. VCF-style (leftmost placement, unchanged base first): chr6-78955631-TTTC-T. GRCh37 (hg19) VCF-style: chr6-79665348-TTTC-T.
Other names: short protein forms K1278del.
Identifiers: ClinVar variation 2635813 (VCV002635813.3), dbSNP rs768784494, ClinGen allele CA3899598.

ClinVar aggregate classification (germline): Uncertain significance (1 of 4 stars; one submission).

Conditions:
PHIP-related disorder. Also called: PHIP-related condition; PHIP-related disorders.

Submission:

PreventionGenetics, part of Exact Sciences
Classification: Uncertain significance for PHIP-related condition. Last evaluated: 2025-11-25. Review status: criteria provided, single submitter. Criteria: ACMG Guidelines, 2015. Collection method: clinical testing. Allele origin: germline.
Comment: The PHIP c.3831_3833delGAA variant is predicted to result in an in-frame deletion (p.Lys1278del). To our knowledge, this variant has not been reported in the literature. This variant is reported in 0.00094% of alleles in individuals of European (Non-Finnish) descent in gnomAD. At this time, the clinical significance of this variant is uncertain due to the absence of conclusive functional and genetic evidence.